The following is an entry in ClinVar:

NM_002485.5(NBN):c.1959G>C (p.Lys653Asn)

Gene: NBN (nibrin; minus strand). Cytogenetic location: 8q21.3.
Variant type: single nucleotide variant.
Coding change: c.1959G>C on transcript NM_002485.5 (MANE Select); coding-DNA position 1959, G replaced by C.
Protein change: p.Lys653Asn; replaces lysine 653 with asparagine.
Molecular consequence: missense variant.
Genome position (GRCh38, 1-based): chr8:89,946,251, C>G on the plus strand (G>C on the coding strand, the complement: NBN is on the minus strand). VCF-style: chr8-89946251-C-G. GRCh37 (hg19) VCF-style: chr8-90958479-C-G.
Other names: c.1713G>C, p.Lys571Asn (NM_001024688.3, NM_001440379.1, NM_001440380.1); short protein forms K653N, K571N.
Identifiers: ClinVar variation 4824887 (VCV004824887.1).
Genomic context (GRCh38, chr8:89,946,251, plus strand): 5'-AGATGGATTTCTGGAAGTAGAGTTTTTAATCACCAGTGATCTAAATTCAGTCAATAACAG[C>G]TTTTTTGGAAGCATCTCACTATCATCCTGAAGTTTGTCATTGTTCTTAAATGGGGTTAAG-3'
Protein context (NP_002476.2, residues 643-663): LQDDSEMLPK[Lys653Asn]LLLTEFRSLV

ClinVar aggregate classification (germline): Uncertain significance (1 of 4 stars; one submission).

Conditions:
Hereditary cancer-predisposing syndrome. Also called: Neoplastic Syndromes, Hereditary; Tumor predisposition; Hereditary Cancer Syndrome; Hereditary neoplastic syndrome. Identifiers: Orphanet 140162, MedGen C0027672, MeSH D009386, MONDO:0015356.

Submission:

Ambry Genetics
Classification: Uncertain significance for Hereditary cancer-predisposing syndrome. Last evaluated: 2026-01-18. Review status: criteria provided, single submitter. Criteria: Ambry Variant Classification Scheme 2023. Collection method: clinical testing. Allele origin: germline.
Comment: The p.K653N variant (also known as c.1959G>C), located in coding exon 13 of the NBN gene, results from a G to C substitution at nucleotide position 1959. The lysine at codon 653 is replaced by asparagine, an amino acid with similar properties. This amino acid position is conserved. In addition, this alteration is predicted to be tolerated by in silico analysis. Based on the available evidence, the clinical significance of this variant remains unclear.